The following is an entry in ClinVar:

NM_033380.3(COL4A5):c.3706C>G (p.Pro1236Ala)

Gene: COL4A5 (collagen type IV alpha 5 chain; plus strand). Cytogenetic location: Xq22.3.
Variant type: single nucleotide variant.
Coding change: c.3706C>G on transcript NM_033380.3 (MANE Select); coding-DNA position 3706, C replaced by G.
Protein change: p.Pro1236Ala; replaces proline 1236 with alanine.
Molecular consequence: missense variant.
Genome position (GRCh38, 1-based): chrX:108,668,420, C>G. VCF-style: chrX-108668420-C-G. GRCh37 (hg19) VCF-style: chrX-107911650-C-G.
Other names: c.3706C>G, p.Pro1236Ala (NM_000495.5); short protein forms P1236A.
Identifiers: ClinVar variation 2572840 (VCV002572840.3), dbSNP rs1416079536, ClinGen allele CA413848855.

ClinVar aggregate classification (germline): Uncertain significance. Review status: criteria provided, multiple submitters, no conflicts (2 of 4 stars). 2 submissions from 2 submitters: Uncertain significance (2). Last evaluated 2024-02-02.

gnomAD v4.1: 1 of 1,209,314 alleles (0.000083%); highest among the groups gnomAD compares: Non-Finnish European, 0.00011%; no homozygotes.

Submissions (2):

Labcorp Genetics (formerly Invitae), Labcorp
Classification: Uncertain significance. Last evaluated: 2024-02-02. Review status: criteria provided, single submitter. Criteria: Invitae Variant Classification Sherloc (09022015). Collection method: clinical testing. Allele origin: germline.
Comment: This sequence change replaces proline, which is neutral and non-polar, with alanine, which is neutral and non-polar, at codon 1236 of the COL4A5 protein (p.Pro1236Ala). This variant is not present in population databases (gnomAD no frequency). This variant has not been reported in the literature in individuals affected with COL4A5-related conditions. ClinVar contains an entry for this variant (Variation ID: 2572840). Advanced modeling of protein sequence and biophysical properties (such as structural, functional, and spatial information, amino acid conservation, physicochemical variation, residue mobility, and thermodynamic stability) performed at Invitae indicates that this missense variant is not expected to disrupt COL4A5 protein function with a negative predictive value of 95%. In summary, the available evidence is currently insufficient to determine the role of this variant in disease. Therefore, it has been classified as a Variant of Uncertain Significance.

GeneDx
Classification: Uncertain significance. Last evaluated: 2023-01-12. Review status: criteria provided, single submitter. Criteria: GeneDx Variant Classification Process June 2021. Collection method: clinical testing. Allele origin: germline. Affected: yes.
Comment: Not observed at significant frequency in large population cohorts (gnomAD); In silico analysis supports that this missense variant does not alter protein structure/function; Occurs in the triple helical domain at the X position in the canonical Gly-X-Y repeat; although this variant may have an effect on normal protein folding and function, missense substitution at the X position is not a common mechanism of disease; Has not been previously published as pathogenic or benign to our knowledge